The following is an entry in ClinVar:

ClinVar aggregate classification (germline): Pathogenic (1 of 4 stars; one submission).

Conditions:
Hereditary cancer-predisposing syndrome. Also called: Hereditary Cancer Syndrome; Hereditary neoplastic syndrome; Neoplastic Syndromes, Hereditary; Tumor predisposition. Identifiers: Orphanet 140162, MedGen C0027672, MeSH D009386, MONDO:0015356.

Submission:

Ambry Genetics
Classification: Pathogenic for Hereditary cancer-predisposing syndrome. Last evaluated: 2020-12-22. Review status: criteria provided, single submitter. Criteria: Ambry Variant Classification Scheme 2023. Collection method: clinical testing. Allele origin: germline.
Comment: The c.474_493dup20 pathogenic mutation, located in coding exon 6 of the BRCA1 gene, results from a duplication of 20 nucleotides at nucleotide position 474, causing a translational frameshift with a predicted alternate stop codon (p.L165Pfs*5). This alteration is expected to result in loss of function by premature protein truncation or nonsense-mediated mRNA decay. As such, this alteration is interpreted as a disease-causing mutation.

NM_007294.4(BRCA1):c.474_493dup (p.Leu165delinsProLeuGluLeuTer)

Gene: BRCA1 (BRCA1 DNA repair associated; minus strand). Cytogenetic location: 17q21.31.
Variant type: Duplication.
Coding change: c.474_493dup on transcript NM_007294.4 (MANE Select); coding-DNA positions 474 to 493, 20 bases duplicated (CCTTGGAACTGTGAGAACTC).
Protein change: p.Leu165delinsProLeuGluLeuTer.
Molecular consequence: nonsense. On other transcripts: frameshift variant (364), non-coding transcript variant (1).
Genome position (GRCh38, 1-based): chr17:43,099,829-43,099,848, GAGTTCTCACAGTTCCAAGG duplicated on the plus strand (CCTTGGAACTGTGAGAACTC on the coding strand, the reverse complement: BRCA1 is on the minus strand). VCF-style (leftmost placement, unchanged base first): chr17-43099828-A-AGAGTTCTCACAGTTCCAAGG. GRCh37 (hg19) VCF-style: chr17-41251845-A-AGAGTTCTCACAGTTCCAAGG.
Other names: c.261_280dup, p.Leu94Profs (NM_001407918.1, NM_001407571.1, NM_001407954.1 and 18 more transcripts); c.474_493dup, p.Leu165Profs (NM_001407919.1, NM_001407581.1, NM_001407582.1 and 95 more transcripts); c.333_352dup, p.Leu118Profs (NM_001407920.1, NM_001407921.1, NM_001407922.1 and 60 more transcripts); c.330_349dup, p.Leu117Profs (NM_001407930.1, NM_001407931.1, NM_001407932.1 and 35 more transcripts); c.471_490dup, p.Leu164Profs (NM_001407587.1, NM_001407590.1, NM_001407591.1 and 65 more transcripts); c.264_283dup, p.Leu95Profs (NM_001407946.1, NM_001407947.1, NM_001407948.1 and 37 more transcripts); c.93_112dup, p.Leu38Profs (NM_001407959.1, NM_001407960.1, NM_001407963.1 and 3 more transcripts); c.90_109dup, p.Leu37Profs (NM_001407962.1); and 7 more.
Identifiers: ClinVar variation 1742769 (VCV001742769.2), dbSNP rs2552239924, ClinGen allele CA2580094157.
Genomic context (GRCh38, chr17:43,099,828, plus strand): 5'-CCCTTACCCAATTCAATGTAGACAGACGTCTTTTGAGGTTGTATCCGCTGCTTTGTCCTC[A>AGAGTTCTCACAGTTCCAAGG]GAGTTCTCACAGTTCCAAGGTTAGAGAGTTGGACACTGAGACTGGTTTCCTGCTAAACAG-3'